The following is an entry in ClinVar:

ClinVar aggregate classification (germline): Conflicting classifications of pathogenicity. Review status: criteria provided, conflicting classifications (1 of 4 stars). 3 submissions from 3 submitters: Uncertain significance (2); Likely benign (1). Last evaluated 2025-11-21.

gnomAD v4.1: 20 of 979,672 alleles (0.002%); highest among the groups gnomAD compares: Non-Finnish European, 0.0022%; no homozygotes.

Submissions (3):

Labcorp Genetics (formerly Invitae), Labcorp
Classification: Uncertain significance. Last evaluated: 2025-11-21. Review status: criteria provided, single submitter. Criteria: Invitae Variant Classification Sherloc (09022015). Collection method: clinical testing. Allele origin: germline.
Comment: This sequence change replaces aspartic acid, which is acidic and polar, with histidine, which is basic and polar, at codon 1677 of the CASZ1 protein (p.Asp1677His). This variant is present in population databases (rs749897820, gnomAD 0.005%). This variant has not been reported in the literature in individuals affected with CASZ1-related conditions. ClinVar contains an entry for this variant (Variation ID: 4219554). Experimental studies and prediction algorithms are not available or were not evaluated, and the functional significance of this variant is currently unknown. In summary, the available evidence is currently insufficient to determine the role of this variant in disease. Therefore, it has been classified as a Variant of Uncertain Significance.

Ambry Genetics
Classification: Uncertain significance. Last evaluated: 2025-07-04. Review status: criteria provided, single submitter. Criteria: Ambry Variant Classification Scheme 2023. Collection method: clinical testing. Allele origin: germline.

Blueprint Genetics
Classification: Likely benign. Last evaluated: 2024-08-21. Review status: criteria provided, single submitter. Criteria: ACMG Guidelines, 2015. Collection method: clinical testing. Allele origin: germline.

NM_001079843.3(CASZ1):c.5029G>C (p.Asp1677His)

Gene: CASZ1 (castor zinc finger 1; minus strand). Cytogenetic location: 1p36.22.
Variant type: single nucleotide variant.
Coding change: c.5029G>C on transcript NM_001079843.3 (MANE Select); coding-DNA position 5029, G replaced by C.
Protein change: p.Asp1677His; replaces aspartic acid 1677 with histidine.
Molecular consequence: missense variant.
Genome position (GRCh38, 1-based): chr1:10,639,193, C>G on the plus strand (G>C on the coding strand, the complement: CASZ1 is on the minus strand). VCF-style: chr1-10639193-C-G. GRCh37 (hg19) VCF-style: chr1-10699250-C-G.
Other names: short protein forms D1677H.
Identifiers: ClinVar variation 4219554 (VCV004219554.3).